The following is an entry in ClinVar:

ClinVar aggregate classification (germline): Uncertain significance (1 of 4 stars; one submission).

Conditions:
Leigh syndrome (NULS). Also called: Leigh's necrotizing encephalopathy; Leigh's disease; Leigh Syndrome (mtDNA deletion); Leigh Disease; Subacute necrotizing encephalopathy; Necrotizing encephalopathy infantile subacute of Leigh. Identifiers: Orphanet 506, MedGen C2931891, MONDO:0009723, OMIM 256000.

Submission:

Wong Mito Lab, Molecular and Human Genetics, Baylor College of Medicine
Classification: Uncertain significance for Leigh syndrome. Last evaluated: 2019-10-17. Review status: criteria provided, single submitter. Criteria: Modified ACMG Guidelines (Unpublished). Collection method: clinical testing. Allele origin: germline.
Comment: The NC_012920.1:m.3328C>T (YP_003024026.1:p.Leu8Phe) variant in MTND1 gene is interpretated to be a Uncertain Significance variant based on the modified ACMG guidelines (unpublished). This variant meets the following evidence codes: PM10, PP7, BP6

NC_012920.1(MT-ND1):m.3328C>T

Gene: MT-ND1 (mitochondrially encoded NADH dehydrogenase 1; plus strand).
Variant type: single nucleotide variant.
Genome position: chrM-3328-C-T.
Identifiers: ClinVar variation 692335 (VCV000692335.1), dbSNP rs1603218901, ClinGen allele CA414772552.
Genomic context (GRCh38, chrMT:3,328, plus strand): 5'-AACTTTACAGTCAGAGGTTCAATTCCTCTTCTTAACAACATACCCATGGCCAACCTCCTA[C>T]TCCTCATTGTACCCATTCTAATCGCAATGGCATTCCTAATGCTTACCGAACGAAAAATTC-3'